The following is an entry in ClinVar:

NC_000011.10:g.(?_108353756)_(108354884_?)del

Gene: ATM (ATM serine/threonine kinase; plus strand). Cytogenetic location: 11q22.3.
Variant type: Deletion.
Identifiers: ClinVar variation 832692 (VCV000832692.7).

ClinVar aggregate classification (germline): Pathogenic (1 of 4 stars; one submission).

Conditions:
Ataxia-telangiectasia syndrome (AT). Also called: Ataxia-telangiectasia, complementation group E; Ataxia telangiectasia (A-T); LOUIS-BAR SYNDROME; Ataxia-telangiectasia, complementation group D; AT, COMPLEMENTATION GROUP C; Ataxia-telangiectasia. Identifiers: Orphanet 100, MedGen C0004135, MONDO:0008840, OMIM 208900.

Submission:

Labcorp Genetics (formerly Invitae), Labcorp
Classification: Pathogenic for Ataxia-telangiectasia syndrome. Last evaluated: 2021-02-23. Review status: criteria provided, single submitter. Criteria: Invitae Variant Classification Sherloc (09022015). Collection method: clinical testing. Allele origin: germline.
Comment: For these reasons, this variant has been classified as Pathogenic. This variant has not been reported in the literature in individuals with ATM-related conditions. This variant is a gross deletion of the genomic region encompassing exon(s) 60-61 of the ATM gene. This deletion is out-of-frame, and is expected to create a premature translational stop signal and result in an absent or disrupted protein product. Loss-of-function variants in ATM are known to be pathogenic (PMID: 23807571, 25614872).

Literature cited by the submitters: PubMed 23807571; PubMed 25614872.